The following is an entry in ClinVar:

NM_031475.3(ESPN):c.2370G>C (p.Arg790Ser)

Gene: ESPN (espin; plus strand). Cytogenetic location: 1p36.31.
Variant type: single nucleotide variant.
Coding change: c.2370G>C on transcript NM_031475.3 (MANE Select); coding-DNA position 2370, G replaced by C.
Protein change: p.Arg790Ser; replaces arginine 790 with serine.
Molecular consequence: missense variant.
Genome position (GRCh38, 1-based): chr1:6,457,228, G>C. VCF-style: chr1-6457228-G-C. GRCh37 (hg19) VCF-style: chr1-6517288-G-C.
Other names: c.2280G>C, p.Arg760Ser (NM_001367473.1); c.2307G>C, p.Arg769Ser (NM_001367474.1); short protein forms R790S, R760S, R769S.
Identifiers: ClinVar variation 3510366 (VCV003510366.2).

ClinVar aggregate classification (germline): Uncertain significance. Review status: criteria provided, multiple submitters, no conflicts (2 of 4 stars). 2 submissions from 2 submitters: Uncertain significance (2). Last evaluated 2026-04-01.

Conditions:
Inborn genetic diseases. Identifiers: MedGen C0950123, MeSH D030342.

Submissions (2):

GeneDx
Classification: Uncertain significance. Last evaluated: 2026-04-01. Review status: criteria provided, single submitter. Criteria: GeneDx Variant Classification Process June 2021. Collection method: clinical testing. Allele origin: germline.
Comment: Not observed at significant frequency in large population cohorts (gnomAD); In silico analysis supports that this missense variant has a deleterious effect on protein structure/function; Has not been previously published as pathogenic or benign to our knowledge

Ambry Genetics
Classification: Uncertain significance for Inborn genetic diseases. Last evaluated: 2024-10-04. Review status: criteria provided, single submitter. Criteria: Ambry Variant Classification Scheme 2023. Collection method: clinical testing. Allele origin: germline.